The following is an entry in ClinVar:

ClinVar aggregate classification (germline): Uncertain significance (1 of 4 stars; one submission).

Conditions:
Vitamin B2 deficiency. Identifiers: MedGen C0035528.

Submission:

Labcorp Genetics (formerly Invitae), Labcorp
Classification: Uncertain significance for Vitamin B2 deficiency. Last evaluated: 2024-07-24. Review status: criteria provided, single submitter. Criteria: Invitae Variant Classification Sherloc (09022015). Collection method: clinical testing. Allele origin: germline.
Comment: This sequence change replaces lysine, which is basic and polar, with arginine, which is basic and polar, at codon 393 of the SLC52A1 protein (p.Lys393Arg). This variant is not present in population databases (gnomAD no frequency). This variant has not been reported in the literature in individuals affected with SLC52A1-related conditions. Advanced modeling of protein sequence and biophysical properties (such as structural, functional, and spatial information, amino acid conservation, physicochemical variation, residue mobility, and thermodynamic stability) performed at Invitae indicates that this missense variant is not expected to disrupt SLC52A1 protein function with a negative predictive value of 80%. Algorithms developed to predict the effect of sequence changes on RNA splicing suggest that this variant may disrupt the consensus splice site. In summary, the available evidence is currently insufficient to determine the role of this variant in disease. Therefore, it has been classified as a Variant of Uncertain Significance.

NM_017986.4(SLC52A1):c.1178A>G (p.Lys393Arg)

Gene: SLC52A1 (solute carrier family 52 member 1; minus strand). Cytogenetic location: 17p13.2.
Variant type: single nucleotide variant.
Coding change: c.1178A>G on transcript NM_017986.4 (MANE Select); coding-DNA position 1178, A replaced by G.
Protein change: p.Lys393Arg; replaces lysine 393 with arginine.
Molecular consequence: missense variant.
Genome position (GRCh38, 1-based): chr17:5,033,126, T>C on the plus strand (A>G on the coding strand, the complement: SLC52A1 is on the minus strand). VCF-style: chr17-5033126-T-C. GRCh37 (hg19) VCF-style: chr17-4936421-T-C.
Other names: c.1178A>G, p.Lys393Arg (NM_001104577.2); short protein forms K393R.
Identifiers: ClinVar variation 3626837 (VCV003626837.2).